The following is an entry in ClinVar:

ClinVar aggregate classification (germline): Uncertain significance (1 of 4 stars; one submission).

Submission:

GeneDx
Classification: Uncertain significance. Last evaluated: 2025-04-08. Review status: criteria provided, single submitter. Criteria: GeneDx Variant Classification Process June 2021. Collection method: clinical testing. Allele origin: germline. Affected: yes.
Comment: Not observed at significant frequency in large population cohorts (gnomAD); In silico analysis indicates that this missense variant does not alter protein structure/function; Has not been previously published as pathogenic or benign to our knowledge

NM_001148.6(ANK2):c.10385A>G (p.Glu3462Gly)

Gene: ANK2 (ankyrin 2; plus strand). Cytogenetic location: 4q26.
Variant type: single nucleotide variant.
Coding change: c.10385A>G on transcript NM_001148.6 (MANE Select); coding-DNA position 10385, A replaced by G.
Protein change: p.Glu3462Gly; replaces glutamic acid 3462 with glycine.
Molecular consequence: missense variant. On other transcripts: intron variant (68).
Genome position (GRCh38, 1-based): chr4:113,359,003, A>G. VCF-style: chr4-113359003-A-G. GRCh37 (hg19) VCF-style: chr4-114280159-A-G.
Other names: c.10151A>G, p.Glu3384Gly (NM_001386142.1); c.6785A>G, p.Glu2262Gly (NM_001386166.1); c.10526A>G, p.Glu3509Gly (NM_001386174.1); c.10502A>G, p.Glu3501Gly (NM_001386175.1); c.4412-1820A>G (NM_001386186.2, NM_001386148.2); c.4214-1820A>G (NM_001354269.3); c.4292-1820A>G (NM_001386187.2); c.4253-1820A>G (NM_001386147.1); and 35 more; short protein forms E2262G, E3384G, E3462G, E3501G, E3509G.
Identifiers: ClinVar variation 4282000 (VCV004282000.1).